The following is an entry in ClinVar:

NM_023083.4(CAPN10):c.1292G>A (p.Arg431Gln)

Gene: CAPN10 (calpain 10; plus strand). Cytogenetic location: 2q37.3.
Variant type: single nucleotide variant.
Coding change: c.1292G>A on transcript NM_023083.4 (MANE Select); coding-DNA position 1292, G replaced by A.
Protein change: p.Arg431Gln; replaces arginine 431 with glutamine.
Molecular consequence: missense variant. On other transcripts: intron variant (1).
Genome position (GRCh38, 1-based): chr2:240,596,332, G>A. VCF-style: chr2-240596332-G-A. GRCh37 (hg19) VCF-style: chr2-241535749-G-A.
Other names: c.1278+1028G>A (NM_023085.4); short protein forms R431Q.
Identifiers: ClinVar variation 2204251 (VCV002204251.3), dbSNP rs201807668, ClinGen allele CA2205819.
Genomic context (GRCh38, chr2:240,596,332, plus strand): 5'-TGACCCCGGCCGCTCCTCCACACTGAGCCTCCTGCACGTGCTCACAGGTAGAGAAGCGGC[G>A]GGTCAATCTGCCTAGGGTCCTGTCCATGCCCCCCGTGGCTGGCACCGCGTGCCATGCATA-3'
Protein context (NP_075571.2, residues 421-441): GLHLWKVEKR[Arg431Gln]VNLPRVLSMP

ClinVar aggregate classification (germline): Uncertain significance (1 of 4 stars; one submission).

Conditions:
Inborn genetic diseases. Identifiers: MedGen C0950123, MeSH D030342.

Allele frequency attached by ClinVar (database versions not stated): ExAC 0.00034; gnomAD 0.00025; TOPMed 0.00028; gnomAD exomes 0.00050.
gnomAD v4.1: 746 of 1,600,242 alleles (0.047%); highest among the groups gnomAD compares: Non-Finnish European, 0.058%; 1 homozygote.

Submission:

Ambry Genetics
Classification: Uncertain significance for Inborn genetic diseases. Last evaluated: 2026-06-12. Review status: criteria provided, single submitter. Criteria: Ambry Variant Classification Scheme 2023. Collection method: clinical testing. Allele origin: germline.
Comment: The c.1292G>A (p.R431Q) alteration is located in exon 8 (coding exon 8) of the CAPN10 gene. This alteration results from a G to A substitution at nucleotide position 1292, causing the arginine (R) at amino acid position 431 to be replaced by a glutamine (Q). Based on data from gnomAD, the A allele has an overall frequency of 0.031% (84/275314) total alleles studied. The highest observed frequency was 0.052% (65/124516) of European (non-Finnish) alleles. Based on insufficient or conflicting evidence, the clinical significance of this alteration remains unclear.